The following is an entry in ClinVar:

NM_145207.3(AFG2A):c.2290A>G (p.Lys764Glu)

Gene: AFG2A (AAA ATPase AFG2A; plus strand). Cytogenetic location: 4q28.1.
Variant type: single nucleotide variant.
Coding change: c.2290A>G on transcript NM_145207.3 (MANE Select); coding-DNA position 2290, A replaced by G.
Protein change: p.Lys764Glu; replaces lysine 764 with glutamic acid.
Molecular consequence: missense variant.
Genome position (GRCh38, 1-based): chr4:123,090,655, A>G. VCF-style: chr4-123090655-A-G. GRCh37 (hg19) VCF-style: chr4-124011810-A-G.
Other names: c.2287A>G, p.Lys763Glu (NM_001345856.2); short protein forms K764E, K763E.
Identifiers: ClinVar variation 1411134 (VCV001411134.5), dbSNP rs1254734777, ClinGen allele CA358230379.
Genomic context (GRCh38, chr4:123,090,655, plus strand): 5'-AATGTAGCCGATCGTGTTTTGGCTCAGCTCTTAACAGAAATGGATGGGATTGAACAGCTA[A>G]AGGATGTGACCATTTTGGCAGCTACTAACCGTCCAGATAGGATAGACAAGGTAAGAGAGA-3'
Protein context (NP_660208.2, residues 754-774): LTEMDGIEQL[Lys764Glu]DVTILAATNR

ClinVar aggregate classification (germline): Uncertain significance (1 of 4 stars; one submission).

Conditions:
Microcephaly-intellectual disability-sensorineural hearing loss-epilepsy-abnormal muscle tone syndrome (NEDHSB). Also called: NEURODEVELOPMENTAL DISORDER WITH HEARING LOSS, SEIZURES, AND BRAIN ABNORMALITIES. Identifiers: Orphanet 457351, MedGen C4225276, MONDO:0014698, OMIM 616577.

Allele frequency attached by ClinVar (database versions not stated): gnomAD exomes below 0.00001.
gnomAD v4.1: 1 of 1,614,178 alleles (0.000062%); highest among the groups gnomAD compares: Admixed American, 0.0017%; no homozygotes.

Submission:

Labcorp Genetics (formerly Invitae), Labcorp
Classification: Uncertain significance for Microcephaly-intellectual disability-sensorineural hearing loss-epilepsy-abnormal muscle tone syndrome. Last evaluated: 2021-10-20. Review status: criteria provided, single submitter. Criteria: Invitae Variant Classification Sherloc (09022015). Collection method: clinical testing. Allele origin: germline.
Comment: In summary, the available evidence is currently insufficient to determine the role of this variant in disease. Therefore, it has been classified as a Variant of Uncertain Significance. Algorithms developed to predict the effect of missense changes on protein structure and function are either unavailable or do not agree on the potential impact of this missense change (SIFT: "Deleterious"; PolyPhen-2: "Possibly Damaging"; Align-GVGD: "Class C0"). This variant has not been reported in the literature in individuals affected with SPATA5-related conditions. This variant is not present in population databases (ExAC no frequency). This sequence change replaces lysine with glutamic acid at codon 764 of the SPATA5 protein (p.Lys764Glu). The lysine residue is highly conserved and there is a small physicochemical difference between lysine and glutamic acid.